The following is an entry in ClinVar:

ClinVar aggregate classification (germline): Pathogenic/Likely pathogenic. Review status: criteria provided, multiple submitters, no conflicts (2 of 4 stars). 2 submissions from 2 submitters: Pathogenic (1); Likely pathogenic (1). Last evaluated 2022-05-11.

Conditions:
CDH23-related disorder. Also called: CDH23-related disorders; CDH23-related condition.

Submissions (2):

Labcorp Genetics (formerly Invitae), Labcorp
Classification: Pathogenic. Last evaluated: 2022-05-11. Review status: criteria provided, single submitter. Criteria: Invitae Variant Classification Sherloc (09022015). Collection method: clinical testing. Allele origin: germline.
Comment: This sequence change creates a premature translational stop signal (p.Thr2052Argfs*28) in the CDH23 gene. It is expected to result in an absent or disrupted protein product. Loss-of-function variants in CDH23 are known to be pathogenic (PMID: 11138009, 21940737). This variant is not present in population databases (gnomAD no frequency). This premature translational stop signal has been observed in individual(s) with clinical features of Usher syndrome (PMID: 12075507). Algorithms developed to predict the effect of sequence changes on RNA splicing suggest that this variant may create or strengthen a splice site. For these reasons, this variant has been classified as Pathogenic.

Blueprint Genetics
Classification: Likely pathogenic for CDH23-related disorders. Last evaluated: 2019-09-15. Review status: criteria provided, single submitter. Criteria: ACMG Guidelines, 2015. Collection method: clinical testing. Allele origin: germline. Affected: yes. Observed: 1 variant allele.

Literature cited by the submitters: PubMed 11138009 (cited by Labcorp Genetics (formerly Invitae), Labcorp); PubMed 21940737 (cited by Labcorp Genetics (formerly Invitae), Labcorp); PubMed 12075507 (cited by Labcorp Genetics (formerly Invitae), Labcorp).

NM_022124.6(CDH23):c.6155del (p.Thr2052fs)

Gene: CDH23 (cadherin related 23; plus strand). Cytogenetic location: 10q22.1.
Variant type: Deletion.
Coding change: c.6155del on transcript NM_022124.6 (MANE Select); coding-DNA position 6155, one base deleted (C; older notation c.6155delC).
Protein change: p.Thr2052fs; shifts the reading frame from threonine 2052.
Molecular consequence: frameshift variant.
Genome position (GRCh38, 1-based): chr10:71,791,237, C deleted. VCF-style (leftmost placement, unchanged base first): chr10-71791236-AC-A. GRCh37 (hg19) VCF-style: chr10-73550993-AC-A.
Other names: short protein forms T2052fs.
Identifiers: ClinVar variation 1373308 (VCV001373308.7), dbSNP rs2132949774, ClinGen allele CA2573145381.